The following is an entry in ClinVar:

ClinVar aggregate classification (germline): Uncertain significance (1 of 4 stars; one submission).

gnomAD v4.1: 36 of 1,543,340 alleles (0.0023%); highest among the groups gnomAD compares: East Asian, 0.038%; no homozygotes.

Submission:

Labcorp Genetics (formerly Invitae), Labcorp
Classification: Uncertain significance. Last evaluated: 2022-11-01. Review status: criteria provided, single submitter. Criteria: Invitae Variant Classification Sherloc (09022015). Collection method: clinical testing. Allele origin: germline.
Comment: This variant is present in population databases (rs74917403, gnomAD 0.02%). In summary, the available evidence is currently insufficient to determine the role of this variant in disease. Therefore, it has been classified as a Variant of Uncertain Significance. Algorithms developed to predict the effect of missense changes on protein structure and function (SIFT, PolyPhen-2, Align-GVGD) all suggest that this variant is likely to be tolerated. This variant has not been reported in the literature in individuals affected with APOPT1-related conditions. This sequence change replaces proline, which is neutral and non-polar, with leucine, which is neutral and non-polar, at codon 27 of the APOPT1 protein (p.Pro27Leu).

NM_001370595.2(COA8):c.41C>T (p.Pro14Leu)

Gene: COA8 (cytochrome c oxidase assembly factor 8; plus strand). Cytogenetic location: 14q32.33.
Variant type: single nucleotide variant.
Coding change: c.41C>T on transcript NM_001370595.2 (MANE Select); coding-DNA position 41, C replaced by T.
Protein change: p.Pro14Leu; replaces proline 14 with leucine.
Molecular consequence: missense variant. On other transcripts: non-coding transcript variant (2).
Genome position (GRCh38, 1-based): chr14:103,563,042, C>T. VCF-style: chr14-103563042-C-T. GRCh37 (hg19) VCF-style: chr14-104029379-C-T.
Other names: c.41C>T, p.Pro14Leu (NM_001302653.2, NM_001302654.2); c.80C>T, p.Pro27Leu (NM_032374.4); short protein forms P27L, P14L.
Identifiers: ClinVar variation 1989713 (VCV001989713.4), dbSNP rs74917403, ClinGen allele CA7365397.